The following is an entry in ClinVar:

NC_000001.10:g.(?_17354234)_(17359650_?)dup

Gene: SDHB (succinate dehydrogenase complex iron sulfur subunit B; minus strand). Cytogenetic location: 1p36.13.
Variant type: Duplication.
Identifiers: ClinVar variation 1508419 (VCV001508419.13).

ClinVar aggregate classification (germline): Likely pathogenic (1 of 4 stars; one submission).

Conditions:
Pheochromocytoma. Also called: MAX-Related Hereditary Paraganglioma-Pheochromocytoma Syndrome. Identifiers: Orphanet 29072, MedGen C0031511, MONDO:0008233, OMIM 171300, HP:0002666.
Pheochromocytoma/paraganglioma syndrome 4. Also called: PHEOCHROMOCYTOMA, FAMILIAL EXTRAADRENAL; CAROTID BODY TUMORS AND MULTIPLE EXTRAADRENAL PHEOCHROMOCYTOMAS; PARAGANGLIOMA, FAMILIAL MALIGNANT; PARAGANGLIOMAS, HEREDITARY EXTRAADRENAL; Paragangliomas 4; SDHB-Related Hereditary Paraganglioma-Pheochromocytoma Syndrome (Paragangliomas 4). Identifiers: Orphanet 29072, MedGen C1861848, MONDO:0007273, OMIM 115310.
Gastrointestinal stromal tumor. Also called: Gastrointestinal stromal tumor, somatic; Gastrointestinal stroma tumor. Identifiers: Orphanet 44890, MedGen C0238198, MeSH D046152, MONDO:0011719, OMIM 606764, HP:0100723.

Submission:

Labcorp Genetics (formerly Invitae), Labcorp
Classification: Likely pathogenic for Gastrointestinal stromal tumor; Pheochromocytoma/paraganglioma syndrome 4; Pheochromocytoma. Last evaluated: 2022-03-27. Review status: criteria provided, single submitter. Criteria: Invitae Variant Classification Sherloc (09022015). Collection method: clinical testing. Allele origin: germline.
Comment: In summary, the currently available evidence indicates that the variant is pathogenic, but additional data are needed to prove that conclusively. Therefore, this variant has been classified as Likely Pathogenic. This variant has not been reported in the literature in individuals affected with SDHB-related conditions. This variant results in a copy number gain of the genomic region encompassing exon(s) 3-5 of the SDHB gene. While the exact position of this variant cannot be determined from the data, sub-genic copy number gains are generally in tandem (PMID: 25640679). This variant is predicted to be out-of-frame, and may result in an absent or disrupted protein product. Loss-of-function variants in SDHB are known to be pathogenic (PMID: 19454582, 19802898).

Literature cited by the submitters: PubMed 25640679; PubMed 19454582; PubMed 19802898.